The following is an entry in ClinVar:

NM_006767.4(LZTR1):c.662G>A (p.Ser221Asn)

Gene: LZTR1 (leucine zipper like post translational regulator 1; plus strand). Cytogenetic location: 22q11.21.
Variant type: single nucleotide variant.
Coding change: c.662G>A on transcript NM_006767.4 (MANE Select); coding-DNA position 662, G replaced by A.
Protein change: p.Ser221Asn; replaces serine 221 with asparagine.
Molecular consequence: missense variant.
Genome position (GRCh38, 1-based): chr22:20,990,396, G>A. VCF-style: chr22-20990396-G-A. GRCh37 (hg19) VCF-style: chr22-21344685-G-A.
Other names: short protein forms S221N.
Identifiers: ClinVar variation 3238380 (VCV003238380.3), dbSNP rs2518615655.

ClinVar aggregate classification (germline): Uncertain significance. Review status: criteria provided, multiple submitters, no conflicts (2 of 4 stars). 2 submissions from 2 submitters: Uncertain significance (2). Last evaluated 2025-06-09.

Conditions:
Hereditary cancer-predisposing syndrome. Also called: Neoplastic Syndromes, Hereditary; Tumor predisposition; Hereditary neoplastic syndrome; Hereditary Cancer Syndrome. Identifiers: Orphanet 140162, MedGen C0027672, MeSH D009386, MONDO:0015356.
Cardiovascular phenotype. Identifiers: MedGen CN230736.

Submissions (2):

Labcorp Genetics (formerly Invitae), Labcorp
Classification: Uncertain significance. Last evaluated: 2025-06-09. Review status: criteria provided, single submitter. Criteria: Invitae Variant Classification Sherloc (09022015). Collection method: clinical testing. Allele origin: germline.
Comment: This sequence change replaces serine, which is neutral and polar, with asparagine, which is neutral and polar, at codon 221 of the LZTR1 protein (p.Ser221Asn). This variant is not present in population databases (gnomAD no frequency). This variant has not been reported in the literature in individuals affected with LZTR1-related conditions. ClinVar contains an entry for this variant (Variation ID: 3238380). Invitae Evidence Modeling of protein sequence and biophysical properties (such as structural, functional, and spatial information, amino acid conservation, physicochemical variation, residue mobility, and thermodynamic stability) indicates that this missense variant is not expected to disrupt LZTR1 protein function with a negative predictive value of 80%. In summary, the available evidence is currently insufficient to determine the role of this variant in disease. Therefore, it has been classified as a Variant of Uncertain Significance.

Ambry Genetics
Classification: Uncertain significance for Cardiovascular phenotype; Hereditary cancer-predisposing syndrome. Last evaluated: 2023-10-10. Review status: criteria provided, single submitter. Criteria: Ambry Variant Classification Scheme 2023. Collection method: clinical testing. Allele origin: germline.